The following is an entry in ClinVar:

ClinVar aggregate classification (germline): Uncertain significance. Review status: criteria provided, multiple submitters, no conflicts (2 of 4 stars). 2 submissions from 2 submitters: Uncertain significance (2). Last evaluated 2019-05-20.

Conditions:
Hereditary cancer-predisposing syndrome. Also called: Tumor predisposition; Hereditary Cancer Syndrome; Hereditary neoplastic syndrome; Neoplastic Syndromes, Hereditary. Identifiers: Orphanet 140162, MedGen C0027672, MeSH D009386, MONDO:0015356.

Submissions (2):

Labcorp Genetics (formerly Invitae), Labcorp
Classification: Uncertain significance for Hereditary cancer-predisposing syndrome. Last evaluated: 2019-05-20. Review status: criteria provided, single submitter. Criteria: Invitae Variant Classification Sherloc (09022015). Collection method: clinical testing. Allele origin: germline.
Comment: This variant has not been reported in the literature in individuals with RAD50-related conditions. ClinVar contains an entry for this variant (Variation ID: 486241). This variant is not present in population databases (ExAC no frequency). This sequence change replaces glutamic acid with aspartic acid at codon 1142 of the RAD50 protein (p.Glu1142Asp). The glutamic acid residue is moderately conserved and there is a small physicochemical difference between glutamic acid and aspartic acid. Algorithms developed to predict the effect of missense changes on protein structure and function (SIFT, PolyPhen-2, Align-GVGD) all suggest that this variant is likely to be tolerated, but these predictions have not been confirmed by published functional studies and their clinical significance is uncertain. In summary, the available evidence is currently insufficient to determine the role of this variant in disease. Therefore, it has been classified as a Variant of Uncertain Significance.

Ambry Genetics
Classification: Uncertain significance for Hereditary cancer-predisposing syndrome. Last evaluated: 2016-02-18. Review status: criteria provided, single submitter. Criteria: Ambry Variant Classification Scheme 2023. Collection method: clinical testing. Allele origin: germline.
Comment: The p.E1142D variant (also known as c.3426A>C), located in coding exon 22 of the RAD50 gene, results from an A to C substitution at nucleotide position 3426. The glutamic acid at codon 1142 is replaced by aspartic acid, an amino acid with highly similar properties. This variant was not reported in population based cohorts in the following databases: Database of Single Nucleotide Polymorphisms (dbSNP), NHLBI Exome Sequencing Project (ESP), and 1000 Genomes Project. In the ESP, this variant was not observed in 6503 samples (13006 alleles) with coverage at this position. To date, this alteration has been detected with an allele frequency of approximately 0.001% (greater than 120000 alleles tested) in our clinical cohort. This amino acid position is highly conserved in available vertebrate species. In addition, this alteration is predicted to be tolerated by in silico analysis. Since supporting evidence is limited at this time, the clinical significance of this alteration remains unclear.

NM_005732.4(RAD50):c.3426A>C (p.Glu1142Asp)

Genes: TH2LCRR (T helper type 2 locus control region associated RNA; minus strand), RAD50 (RAD50 double strand break repair protein; plus strand), TH2-LCR (Th2 cytokine locus control region; plus strand). Cytogenetic location: 5q31.1.
Variant type: single nucleotide variant.
Coding change: c.3426A>C on transcript NM_005732.4 (MANE Select); coding-DNA position 3426, A replaced by C.
Protein change: p.Glu1142Asp; replaces glutamic acid 1142 with aspartic acid.
Molecular consequence: missense variant.
Genome position (GRCh38, 1-based): chr5:132,637,151, A>C. VCF-style: chr5-132637151-A-C. GRCh37 (hg19) VCF-style: chr5-131972843-A-C.
Other names: short protein forms E1142D.
Identifiers: ClinVar variation 486241 (VCV000486241.15), dbSNP rs1554100860, ClinGen allele CA360930116.
Genomic context (GRCh38, chr5:132,637,151, plus strand): 5'-AGTACCAATGACTTCCTTTTCCAGAGCAATAATGAAATTTCACAGTATGAAAATGGAAGA[A>C]ATCAATAAAATTATACGTGACCTGTGGCGAAGTACCTATCGTGGACAAGGTGAGTACCAT-3'
Protein context (NP_005723.2, residues 1132-1152): IMKFHSMKME[Glu1142Asp]INKIIRDLWR